The following is an entry in ClinVar:

NM_000059.4(BRCA2):c.5299A>G (p.Lys1767Glu)

Gene: BRCA2 (BRCA2 DNA repair associated; plus strand). Cytogenetic location: 13q13.1.
Variant type: single nucleotide variant.
Coding change: c.5299A>G on transcript NM_000059.4 (MANE Select); coding-DNA position 5299, A replaced by G.
Protein change: p.Lys1767Glu; replaces lysine 1767 with glutamic acid.
Molecular consequence: missense variant.
Genome position (GRCh38, 1-based): chr13:32,339,654, A>G. VCF-style: chr13-32339654-A-G. GRCh37 (hg19) VCF-style: chr13-32913791-A-G.
Other names: short protein forms K1767E.
Identifiers: ClinVar variation 438989 (VCV000438989.8), dbSNP rs1555284159, ClinGen allele CA387784818.
Genomic context (GRCh38, chr13:32,339,654, plus strand): 5'-AACAGCTATTCCTACCATTCTGATGAGGTATATAATGATTCAGGATATCTCTCAAAAAAT[A>G]AACTTGATTCTGGTATTGAGCCAGTATTGAAGAATGTTGAAGATCAAAAAAACACTAGTT-3'
Protein context (NP_000050.3, residues 1757-1777): YNDSGYLSKN[Lys1767Glu]LDSGIEPVLK

ClinVar aggregate classification (germline): Conflicting classifications of pathogenicity. Review status: criteria provided, conflicting classifications (1 of 4 stars). 3 submissions from 3 submitters: Uncertain significance (2); Likely benign (1). Last evaluated 2023-03-23.

Conditions:
Hereditary cancer-predisposing syndrome. Also called: Hereditary neoplastic syndrome; Hereditary Cancer Syndrome; Tumor predisposition; Neoplastic Syndromes, Hereditary. Identifiers: Orphanet 140162, MedGen C0027672, MeSH D009386, MONDO:0015356.

Allele frequency attached by ClinVar (database versions not stated): gnomAD exomes below 0.00001.
gnomAD v4.1: 1 of 1,612,660 alleles (0.000062%); highest among the groups gnomAD compares: East Asian, 0.0022%; no homozygotes.

Submissions (3):

University of Washington Department of Laboratory Medicine, University of Washington
Classification: Likely benign for Hereditary cancer-predisposing syndrome. Last evaluated: 2023-03-23. Review status: criteria provided, single submitter. Criteria: Dines et al. (Genet Med. 2020). Collection method: curation. Allele origin: germline.
Comment: Missense variant in a coldspot region where missense variants are very unlikely to be pathogenic (PMID:31911673).

BRCA2 exon 11 coldspot. Reclassification based on statistical prior probability.

Ambry Genetics
Classification: Uncertain significance for Hereditary cancer-predisposing syndrome. Last evaluated: 2019-03-16. Review status: criteria provided, single submitter. Criteria: Ambry Variant Classification Scheme 2023. Collection method: clinical testing. Allele origin: germline.
Comment: The p.K1767E variant (also known as c.5299A>G), located in coding exon 10 of the BRCA2 gene, results from an A to G substitution at nucleotide position 5299. The lysine at codon 1767 is replaced by glutamic acid, an amino acid with similar properties. This amino acid position is not well conserved in available vertebrate species. In addition, this alteration is predicted to be tolerated by in silico analysis. Since supporting evidence is limited at this time, the clinical significance of this alteration remains unclear.

Quest Diagnostics Nichols Institute San Juan Capistrano
Classification: Uncertain significance. Last evaluated: 2017-06-16. Review status: criteria provided, single submitter. Criteria: Quest Diagnostics criteria. Collection method: clinical testing. Allele origin: germline.